The following is an entry in ClinVar:

NM_001267550.2(TTN):c.96949C>G (p.His32317Asp)

Genes: TTN (titin; minus strand), TTN-AS1 (TTN antisense RNA 1; plus strand), LOC126806421 (CDK7 strongly-dependent group 2 enhancer GRCh37_chr2:179407630-179408829; plus strand). Cytogenetic location: 2q31.2.
Variant type: single nucleotide variant.
Coding change: c.96949C>G on transcript NM_001267550.2 (MANE Select); coding-DNA position 96949, C replaced by G.
Protein change: p.His32317Asp; replaces histidine 32317 with aspartic acid.
Molecular consequence: missense variant.
Genome position (GRCh38, 1-based): chr2:178,542,905, G>C on the plus strand (C>G on the coding strand, the complement: TTN is on the minus strand). VCF-style: chr2-178542905-G-C. GRCh37 (hg19) VCF-style: chr2-179407632-G-C.
Other names: c.92026C>G, p.His30676Asp (NM_001256850.1); c.69754C>G, p.His23252Asp (NM_003319.4); c.89245C>G, p.His29749Asp (NM_133378.4); c.70129C>G, p.His23377Asp (NM_133432.3); c.70330C>G, p.His23444Asp (NM_133437.4); short protein forms H30676D, H32317D, H23252D, H23377D, H29749D, H23444D.
Identifiers: ClinVar variation 515108 (VCV000515108.1), dbSNP rs779019939, ClinGen allele CA1986657.
Genomic context (GRCh38, chr2:178,542,905, plus strand): 5'-CAGGAGGTGGACGGCCAGCAATAGGTATCACCAGCTCTACTGGTCTGCCAGCTGGGACAT[G>C]GATGGTCTTCTGAGGCATTGTAGAAAGATCGATTGTTGGCAACACTATGGGAAAGAAATC-3'
Protein context (NP_001254479.2, residues 32307-32327): DLSTMPQKTI[His32317Asp]VPAGRPVELV

ClinVar aggregate classification (germline): Likely benign (1 of 4 stars; one submission).

Allele frequency attached by ClinVar (database versions not stated): gnomAD 0.00001; gnomAD exomes below 0.00001; ExAC 0.00001.
gnomAD v4.1: 3 of 1,612,960 alleles (0.00019%); highest among the groups gnomAD compares: Non-Finnish European, 0.00025%; no homozygotes.

Submission:

GeneDx
Classification: Likely benign. Last evaluated: 2018-02-06. Review status: criteria provided, single submitter. Criteria: GeneDx Variant Classification (06012015). Collection method: clinical testing. Allele origin: germline. Affected: yes.
Comment: This variant is considered likely benign or benign based on one or more of the following criteria: it is a conservative change, it occurs at a poorly conserved position in the protein, it is predicted to be benign by multiple in silico algorithms, and/or has population frequency not consistent with disease.